The following is an entry in ClinVar:

NM_000384.3(APOB):c.11630T>G (p.Ile3877Ser)

Gene: APOB (apolipoprotein B; minus strand). Cytogenetic location: 2p24.1.
Variant type: single nucleotide variant.
Coding change: c.11630T>G on transcript NM_000384.3 (MANE Select); coding-DNA position 11630, T replaced by G.
Protein change: p.Ile3877Ser; replaces isoleucine 3877 with serine.
Molecular consequence: missense variant.
Genome position (GRCh38, 1-based): chr2:21,005,238, A>C on the plus strand (T>G on the coding strand, the complement: APOB is on the minus strand). VCF-style: chr2-21005238-A-C. GRCh37 (hg19) VCF-style: chr2-21228110-A-C.
Other names: short protein forms I3877S.
Identifiers: ClinVar variation 2586175 (VCV002586175.2), dbSNP rs1663094540, ClinGen allele CA345977896.
Genomic context (GRCh38, chr2:21,005,238, plus strand): 5'-GTGGCATTATACACGGGAGAGTCTACCTCAAAGCGTGCAGTCAGTGCTTGAAAGGAAGGA[A>C]TGACAATTCCAGCAGGTACAGAGAACTTAATGGAGGGAATCTCAATGGTCTGCTCAGGCA-3'
Protein context (NP_000375.3, residues 3867-3887): IKFSVPAGIV[Ile3877Ser]PSFQALTARF

ClinVar aggregate classification (germline): Uncertain significance (1 of 4 stars; one submission).

Conditions:
Cardiovascular phenotype. Identifiers: MedGen CN230736.

Allele frequency attached by ClinVar (database versions not stated): gnomAD exomes below 0.00001.
gnomAD v4.1: 1 of 1,614,084 alleles (0.000062%); highest among the groups gnomAD compares: Non-Finnish European, 0.000085%; no homozygotes.

Submission:

Ambry Genetics
Classification: Uncertain significance for Cardiovascular phenotype. Last evaluated: 2023-06-30. Review status: criteria provided, single submitter. Criteria: Ambry Variant Classification Scheme 2023. Collection method: clinical testing. Allele origin: germline.
Comment: The p.I3877S variant (also known as c.11630T>G), located in coding exon 26 of the APOB gene, results from a T to G substitution at nucleotide position 11630. The isoleucine at codon 3877 is replaced by serine, an amino acid with dissimilar properties. This amino acid position is conserved. In addition, this alteration is predicted to be tolerated by in silico analysis. Since supporting evidence is limited at this time, the clinical significance of this alteration remains unclear.